The following is an entry in ClinVar:

ClinVar aggregate classification (germline): Benign. Review status: criteria provided, multiple submitters, no conflicts (2 of 4 stars). 7 submissions from 7 submitters: Benign (7). Last evaluated 2026-02-04.

Conditions:
Polyglucosan body myopathy type 1 (PGBM1). Also called: Polyglucosan body myopathy 1 with or without immunodeficiency; POLYGLUCOSAN BODY MYOPATHY WITHOUT IMMUNODEFICIENCY. Identifiers: Orphanet 329173, Orphanet 397937, MedGen C4014605, MONDO:0014389, OMIM 615895.

Allele frequency attached by ClinVar (database versions not stated): 1000 Genomes Project 0.09685; 1000 Genomes Project 30x 0.09931; ExAC 0.14253; gnomAD exomes 0.14404; TOPMed 0.14597; ESP Exome Variant Server 0.15931.
gnomAD v4.1: 257,322 of 1,611,074 alleles (16%); highest among the groups gnomAD compares: Middle Eastern, 23%; 22,139 homozygotes.

Submissions (7):

Labcorp Genetics (formerly Invitae), Labcorp
Classification: Benign for Polyglucosan body myopathy type 1. Last evaluated: 2026-02-04. Review status: criteria provided, single submitter. Criteria: Invitae Variant Classification Sherloc (09022015). Collection method: clinical testing. Allele origin: germline.

Blueprint Genetics
Classification: Benign. Last evaluated: 2024-11-28. Review status: criteria provided, single submitter. Criteria: ACMG Guidelines, 2015. Collection method: clinical testing. Allele origin: germline.

Unidad de Genómica Garrahan, Hospital de Pediatría Garrahan
Classification: Benign. Last evaluated: 2023-11-12. Review status: criteria provided, single submitter. Criteria: ACMG Guidelines, 2015. Collection method: clinical testing. Allele origin: germline. Affected: no. Observed: 25 variant alleles.
Comment: This variant is classified as Benign based on local population frequency. This variant was detected in 26% of patients studied by a panel of primary immunodeficiencies. Number of patients: 25. Only high quality variants are reported.

Mayo Clinic Laboratories, Mayo Clinic
Classification: Benign. Last evaluated: 2021-10-28. Review status: criteria provided, single submitter. Criteria: ACMG Guidelines, 2015. Collection method: clinical testing. Allele origin: germline. Observed: 230 variant alleles.

GeneDx
Classification: Benign. Last evaluated: 2021-05-14. Review status: criteria provided, single submitter. Criteria: GeneDx Variant Classification Process June 2021. Collection method: clinical testing. Allele origin: germline. Affected: yes.

Laboratory for Molecular Medicine, Mass General Brigham Personalized Medicine
Classification: Benign. Last evaluated: 2016-03-29. Review status: criteria provided, single submitter. Criteria: LMM Criteria. Collection method: clinical testing. Allele origin: germline.
Comment: Variant identified in a genome or exome case(s) and assessed due to predicted null impact of the variant or pathogenic assertions in the literature or databases. Disclaimer: This variant has not undergone full assessment. The following are preliminary notes: Frequency

Breakthrough Genomics
Classification: Benign. Review status: criteria provided, single submitter. Criteria: ACMG Guidelines, 2015. Collection method: not provided. Allele origin: germline. Inheritance: Autosomal recessive inheritance. Affected: yes.

NM_031229.4(RBCK1):c.261+15G>T

Gene: RBCK1 (RANBP2-type and C3HC4-type zinc finger containing 1; plus strand). Cytogenetic location: 20p13.
Variant type: single nucleotide variant.
Coding change: c.261+15G>T on transcript NM_031229.4 (MANE Select); 15 bases into the intron after coding-DNA position 261, G replaced by T.
Molecular consequence: intron variant.
Genome position (GRCh38, 1-based): chr20:417,634, G>T. VCF-style: chr20-417634-G-T. GRCh37 (hg19) VCF-style: chr20-398278-G-T.
Other names: p.?; c.-89+15G>T (NM_001323956.2, NM_001323958.2); c.135+15G>T (NM_006462.6).
Identifiers: ClinVar variation 403367 (VCV000403367.19), dbSNP rs11698154, ClinGen allele CA9723016.